The following is an entry in ClinVar:

NM_005188.4(CBL):c.590+4A>G

Gene: CBL (Cbl proto-oncogene; plus strand). Cytogenetic location: 11q23.3.
Variant type: single nucleotide variant.
Coding change: c.590+4A>G on transcript NM_005188.4 (MANE Select); 4 bases into the intron after coding-DNA position 590, A replaced by G.
Molecular consequence: intron variant.
Genome position (GRCh38, 1-based): chr11:119,271,885, A>G. VCF-style: chr11-119271885-A-G. GRCh37 (hg19) VCF-style: chr11-119142595-A-G.
Identifiers: ClinVar variation 3662544 (VCV003662544.2).

ClinVar aggregate classification (germline): Uncertain significance (1 of 4 stars; one submission).

Conditions:
RASopathy. Also called: Noonan spectrum disorder; rasopathies. Identifiers: Orphanet 536391, MedGen C5555857, MONDO:0021060.

gnomAD v4.1: 4 of 1,613,768 alleles (0.00025%); highest among the groups gnomAD compares: Non-Finnish European, 0.00034%; no homozygotes.

Submission:

Labcorp Genetics (formerly Invitae), Labcorp
Classification: Uncertain significance for RASopathy. Last evaluated: 2024-08-15. Review status: criteria provided, single submitter. Criteria: Invitae Variant Classification Sherloc (09022015). Collection method: clinical testing. Allele origin: germline.
Comment: This sequence change falls in intron 3 of the CBL gene. It does not directly change the encoded amino acid sequence of the CBL protein. It affects a nucleotide within the consensus splice site. This variant is not present in population databases (gnomAD no frequency). This variant has not been reported in the literature in individuals affected with CBL-related conditions. Variants that disrupt the consensus splice site are a relatively common cause of aberrant splicing (PMID: 17576681, 9536098). Algorithms developed to predict the effect of sequence changes on RNA splicing suggest that this variant is not likely to affect RNA splicing. In summary, the available evidence is currently insufficient to determine the role of this variant in disease. Therefore, it has been classified as a Variant of Uncertain Significance.

Literature cited by the submitters: PubMed 17576681; PubMed 9536098.